The following is an entry in ClinVar:

NM_177924.5(ASAH1):c.965A>T (p.Asp322Val)

Gene: ASAH1 (N-acylsphingosine amidohydrolase 1; minus strand). Cytogenetic location: 8p22.
Variant type: single nucleotide variant.
Coding change: c.965A>T on transcript NM_177924.5 (MANE Select); coding-DNA position 965, A replaced by T.
Protein change: p.Asp322Val; replaces aspartic acid 322 with valine.
Molecular consequence: missense variant.
Genome position (GRCh38, 1-based): chr8:18,059,417, T>A on the plus strand (A>T on the coding strand, the complement: ASAH1 is on the minus strand). VCF-style: chr8-18059417-T-A. GRCh37 (hg19) VCF-style: chr8-17916926-T-A.
Other names: c.947A>T, p.Asp316Val (NM_001127505.3); c.770A>T, p.Asp257Val (NM_001363743.2); c.1013A>T, p.Asp338Val (NM_004315.6); short protein forms D257V, D316V, D338V, D322V.
Identifiers: ClinVar variation 2849912 (VCV002849912.3), dbSNP rs2537915961, ClinGen allele CA370427498.

ClinVar aggregate classification (germline): Uncertain significance (1 of 4 stars; one submission).

Submission:

Labcorp Genetics (formerly Invitae), Labcorp
Classification: Uncertain significance. Last evaluated: 2023-03-29. Review status: criteria provided, single submitter. Criteria: Invitae Variant Classification Sherloc (09022015). Collection method: clinical testing. Allele origin: germline.
Comment: This variant has not been reported in the literature in individuals affected with ASAH1-related conditions. This variant is not present in population databases (gnomAD no frequency). This sequence change replaces aspartic acid, which is acidic and polar, with valine, which is neutral and non-polar, at codon 322 of the ASAH1 protein (p.Asp322Val). In summary, the available evidence is currently insufficient to determine the role of this variant in disease. Therefore, it has been classified as a Variant of Uncertain Significance. Advanced modeling of protein sequence and biophysical properties (such as structural, functional, and spatial information, amino acid conservation, physicochemical variation, residue mobility, and thermodynamic stability) performed at Invitae indicates that this missense variant is expected to disrupt ASAH1 protein function.